The following is an entry in ClinVar:

NM_000316.3(PTH1R):c.587C>A (p.Ser196Tyr)

Gene: PTH1R (parathyroid hormone 1 receptor; plus strand). Cytogenetic location: 3p21.31.
Variant type: single nucleotide variant.
Coding change: c.587C>A on transcript NM_000316.3 (MANE Select); coding-DNA position 587, C replaced by A.
Protein change: p.Ser196Tyr; replaces serine 196 with tyrosine.
Molecular consequence: missense variant.
Genome position (GRCh38, 1-based): chr3:46,898,421, C>A. VCF-style: chr3-46898421-C-A. GRCh37 (hg19) VCF-style: chr3-46939911-C-A.
Other names: c.587C>A, p.Ser196Tyr (NM_001184744.1); short protein forms S196Y.
Identifiers: ClinVar variation 4770750 (VCV004770750.1).

ClinVar aggregate classification (germline): Uncertain significance (1 of 4 stars; one submission).

Submission:

Labcorp Genetics (formerly Invitae), Labcorp
Classification: Uncertain significance. Last evaluated: 2025-08-25. Review status: criteria provided, single submitter. Criteria: Invitae Variant Classification Sherloc (09022015). Collection method: clinical testing. Allele origin: germline.
Comment: This sequence change replaces serine, which is neutral and polar, with tyrosine, which is neutral and polar, at codon 196 of the PTH1R protein (p.Ser196Tyr). This variant is not present in population databases (gnomAD no frequency). This variant has not been reported in the literature in individuals affected with PTH1R-related conditions. Invitae Evidence Modeling of protein sequence and biophysical properties (such as structural, functional, and spatial information, amino acid conservation, physicochemical variation, residue mobility, and thermodynamic stability) has been performed for this missense variant. However, the output from this modeling did not meet the statistical confidence thresholds required to predict the impact of this variant on PTH1R protein function. In summary, the available evidence is currently insufficient to determine the role of this variant in disease. Therefore, it has been classified as a Variant of Uncertain Significance.